The following is an entry in ClinVar:

ClinVar aggregate classification (germline): Uncertain significance (1 of 4 stars; one submission).

Conditions:
Charcot-Marie-Tooth disease axonal type 2O. Also called: Charcot-Marie-Tooth Neuropathy Type 2O; Charcot-Marie-Tooth disease, axonal, type 20; CHARCOT-MARIE-TOOTH NEUROPATHY, AXONAL, TYPE 2O; CHARCOT-MARIE-TOOTH DISEASE, AXONAL, AUTOSOMAL DOMINANT, TYPE 2O. Identifiers: Orphanet 284232, MedGen C3280220, MONDO:0013644, OMIM 614228.

gnomAD v4.1: 1 of 1,613,966 alleles (0.000062%); no homozygotes.

Submission:

Labcorp Genetics (formerly Invitae), Labcorp
Classification: Uncertain significance for Charcot-Marie-Tooth disease axonal type 2O. Last evaluated: 2020-10-23. Review status: criteria provided, single submitter. Criteria: Invitae Variant Classification Sherloc (09022015). Collection method: clinical testing. Allele origin: germline.
Comment: In summary, the available evidence is currently insufficient to determine the role of this variant in disease. Therefore, it has been classified as a Variant of Uncertain Significance. Advanced modeling of protein sequence and biophysical properties (such as structural, functional, and spatial information, amino acid conservation, physicochemical variation, residue mobility, and thermodynamic stability) performed at Invitae indicates that this missense variant is not expected to disrupt DYNC1H1 protein function. This variant has not been reported in the literature in individuals with DYNC1H1-related conditions. This variant is not present in population databases (ExAC no frequency). This sequence change replaces aspartic acid with glutamic acid at codon 2403 of the DYNC1H1 protein (p.Asp2403Glu). The aspartic acid residue is moderately conserved and there is a small physicochemical difference between aspartic acid and glutamic acid.

NM_001376.5(DYNC1H1):c.7209T>A (p.Asp2403Glu)

Gene: DYNC1H1 (dynein cytoplasmic 1 heavy chain 1; plus strand). Cytogenetic location: 14q32.31.
Variant type: single nucleotide variant.
Coding change: c.7209T>A on transcript NM_001376.5 (MANE Select); coding-DNA position 7209, T replaced by A.
Protein change: p.Asp2403Glu; replaces aspartic acid 2403 with glutamic acid.
Molecular consequence: missense variant.
Genome position (GRCh38, 1-based): chr14:102,015,299, T>A. VCF-style: chr14-102015299-T-A. GRCh37 (hg19) VCF-style: chr14-102481636-T-A.
Other names: short protein forms D2403E.
Identifiers: ClinVar variation 1044806 (VCV001044806.8), dbSNP rs2048307376, ClinGen allele CA391060434.